The following is an entry in ClinVar:

ClinVar aggregate classification (germline): Uncertain significance (1 of 4 stars; one submission).

Conditions:
Charcot-Marie-Tooth disease axonal type 2Z. Also called: CHARCOT-MARIE-TOOTH DISEASE, AXONAL, AUTOSOMAL DOMINANT, TYPE 2Z; CHARCOT-MARIE-TOOTH NEUROPATHY, TYPE 2Z. Identifiers: Orphanet 466768, MedGen C5569025, MONDO:0014736, OMIM 616688.

Submission:

Labcorp Genetics (formerly Invitae), Labcorp
Classification: Uncertain significance for Charcot-Marie-Tooth disease axonal type 2Z. Last evaluated: 2025-05-21. Review status: criteria provided, single submitter. Criteria: Invitae Variant Classification Sherloc (09022015). Collection method: clinical testing. Allele origin: germline.
Comment: This sequence change replaces glutamic acid, which is acidic and polar, with glycine, which is neutral and non-polar, at codon 941 of the MORC2 protein (p.Glu941Gly). This variant is not present in population databases (gnomAD no frequency). This variant has not been reported in the literature in individuals affected with MORC2-related conditions. Invitae Evidence Modeling of protein sequence and biophysical properties (such as structural, functional, and spatial information, amino acid conservation, physicochemical variation, residue mobility, and thermodynamic stability) has been performed for this missense variant. However, the output from this modeling did not meet the statistical confidence thresholds required to predict the impact of this variant on MORC2 protein function. In summary, the available evidence is currently insufficient to determine the role of this variant in disease. Therefore, it has been classified as a Variant of Uncertain Significance.

NM_001303256.3(MORC2):c.2822A>G (p.Glu941Gly)

Gene: MORC2 (MORC family CW-type zinc finger 2; minus strand). Cytogenetic location: 22q12.2.
Variant type: single nucleotide variant.
Coding change: c.2822A>G on transcript NM_001303256.3 (MANE Select); coding-DNA position 2822, A replaced by G.
Protein change: p.Glu941Gly; replaces glutamic acid 941 with glycine.
Molecular consequence: missense variant.
Genome position (GRCh38, 1-based): chr22:30,932,378, T>C on the plus strand (A>G on the coding strand, the complement: MORC2 is on the minus strand). VCF-style: chr22-30932378-T-C. GRCh37 (hg19) VCF-style: chr22-31328365-T-C.
Other names: c.2822A>G, p.Glu941Gly (NM_001303257.2); c.2636A>G, p.Glu879Gly (NM_014941.3); short protein forms E879G, E941G.
Identifiers: ClinVar variation 4803179 (VCV004803179.1).